The following is an entry in ClinVar:

ClinVar aggregate classification (germline): Uncertain significance (1 of 4 stars; one submission).

Conditions:
Myofibrillar myopathy 4. Also called: Zaspopathy (type). Identifiers: Orphanet 98912, MedGen C4721886, MONDO:0012277, OMIM 609452.

Allele frequency attached by ClinVar (database versions not stated): gnomAD exomes below 0.00001.
gnomAD v4.1: 1 of 1,614,146 alleles (0.000062%); highest among the groups gnomAD compares: Non-Finnish European, 0.000085%; no homozygotes.

Submission:

Neuberg Centre For Genomic Medicine, NCGM
Classification: Uncertain significance for Myofibrillar myopathy 4. Review status: criteria provided, single submitter. Criteria: ACMG Guidelines, 2015. Collection method: clinical testing. Allele origin: germline. Inheritance: Autosomal dominant inheritance. Affected: yes.
Comment: The missense variant c.182C>T (p.Thr61Ile) in LDB3 gene has not been reported previously as a pathogenic variant nor as a benign variant, to our knowledge. The p.Thr61Ile variant is novel (not in any individuals) in gnomAD Exomes and 1000 Genomes. The amino acid Thr at position 61 is changed to a Ile changing protein sequence and it might alter its composition and physico-chemical properties. The variant is predicted to be damaging by both SIFT and PolyPhen2. The residue is conserved across species. The amino acid change p.Thr61Ile in LDB3 is predicted as conserved by GERP++ and PhyloP across 100 vertebrates. For these reasons, this variant has been classified as Uncertain Significance.

NM_007078.3(LDB3):c.182C>T (p.Thr61Ile)

Gene: LDB3 (LIM domain binding 3; plus strand). Cytogenetic location: 10q23.2.
Variant type: single nucleotide variant.
Coding change: c.182C>T on transcript NM_007078.3 (MANE Select); coding-DNA position 182, C replaced by T.
Protein change: p.Thr61Ile; replaces threonine 61 with isoleucine.
Molecular consequence: missense variant.
Genome position (GRCh38, 1-based): chr10:86,679,455, C>T. VCF-style: chr10-86679455-C-T. GRCh37 (hg19) VCF-style: chr10-88439212-C-T.
Other names: c.182C>T, p.Thr61Ile (NM_001080114.2, NM_001080115.2, NM_001080116.1 and 8 more transcripts); short protein forms T61I.
Identifiers: ClinVar variation 2585377 (VCV002585377.1), dbSNP rs2492564614, ClinGen allele CA377451354.